The following is an entry in ClinVar:

ClinVar aggregate classification (germline): Uncertain significance (1 of 4 stars; one submission).

Conditions:
Legius syndrome. Identifiers: Orphanet 137605, MedGen C1969623, MONDO:0012669, OMIM 611431. Disease mechanism: loss of function.

Allele frequency attached by ClinVar (database versions not stated): gnomAD exomes 0.00001.
gnomAD v4.1: 10 of 1,614,020 alleles (0.00062%); highest among the groups gnomAD compares: Non-Finnish European, 0.00085%; no homozygotes.

Submission:

Labcorp Genetics (formerly Invitae), Labcorp
Classification: Uncertain significance for Legius syndrome. Last evaluated: 2023-11-22. Review status: criteria provided, single submitter. Criteria: Invitae Variant Classification Sherloc (09022015). Collection method: clinical testing. Allele origin: germline.
Comment: This sequence change replaces serine, which is neutral and polar, with threonine, which is neutral and polar, at codon 40 of the SPRED1 protein (p.Ser40Thr). This variant is not present in population databases (gnomAD no frequency). This missense change has been observed in individual(s) with sudden cardiac death (PMID: 33919104). Advanced modeling of protein sequence and biophysical properties (such as structural, functional, and spatial information, amino acid conservation, physicochemical variation, residue mobility, and thermodynamic stability) has been performed at Invitae for this missense variant, however the output from this modeling did not meet the statistical confidence thresholds required to predict the impact of this variant on SPRED1 protein function. In summary, the available evidence is currently insufficient to determine the role of this variant in disease. Therefore, it has been classified as a Variant of Uncertain Significance.

Literature cited by the submitters: PubMed 33919104.

NM_152594.3(SPRED1):c.119G>C (p.Ser40Thr)

Gene: SPRED1 (sprouty related EVH1 domain containing 1; plus strand). Cytogenetic location: 15q14.
Variant type: single nucleotide variant.
Coding change: c.119G>C on transcript NM_152594.3 (MANE Select); coding-DNA position 119, G replaced by C.
Protein change: p.Ser40Thr; replaces serine 40 with threonine.
Molecular consequence: missense variant.
Genome position (GRCh38, 1-based): chr15:38,299,459, G>C. VCF-style: chr15-38299459-G-C. GRCh37 (hg19) VCF-style: chr15-38591660-G-C.
Other names: short protein forms S40T.
Identifiers: ClinVar variation 2736415 (VCV002736415.3), dbSNP rs781390048, ClinGen allele CA269287898.